The following is an entry in ClinVar:

ClinVar aggregate classification (germline): Benign/Likely benign. Review status: criteria provided, multiple submitters, no conflicts (2 of 4 stars). 4 submissions from 4 submitters: Benign (1); Likely benign (3). Last evaluated 2026-01-02.

Conditions:
Hereditary cancer-predisposing syndrome. Also called: Tumor predisposition; Neoplastic Syndromes, Hereditary; Hereditary Cancer Syndrome; Hereditary neoplastic syndrome. Identifiers: Orphanet 140162, MedGen C0027672, MeSH D009386, MONDO:0015356.
Familial cancer of breast. Also called: BREAST CANCER, FAMILIAL; Hereditary breast cancer; hereditary breast carcinoma. Identifiers: Orphanet 227535, MedGen C0346153, MONDO:0016419, OMIM 114480. Disease mechanism: loss of function.
Ataxia-telangiectasia syndrome (AT). Also called: Cerebello-oculocutaneous telangiectasia; Immunodeficiency with ataxia telangiectasia; ATAXIA-TELANGIECTASIA, COMPLEMENTATION GROUP A; Ataxia-telangiectasia, complementation group D; AT, COMPLEMENTATION GROUP C; ATAXIA-TELANGIECTASIA, FRESNO VARIANT. Identifiers: Orphanet 100, MedGen C0004135, MONDO:0008840, OMIM 208900.

Allele frequency attached by ClinVar (database versions not stated): gnomAD exomes below 0.00001; ExAC 0.00001; TOPMed 0.00001.
gnomAD v4.1: 2 of 1,613,676 alleles (0.00012%); highest among the groups gnomAD compares: Non-Finnish European, 0.00017%; no homozygotes.

Submissions (4):

Labcorp Genetics (formerly Invitae), Labcorp
Classification: Likely benign for Ataxia-telangiectasia syndrome. Last evaluated: 2026-01-02. Review status: criteria provided, single submitter. Criteria: Invitae Variant Classification Sherloc (09022015). Collection method: clinical testing. Allele origin: germline.

Myriad Genetics, Inc.
Classification: Benign for Familial cancer of breast. Last evaluated: 2024-05-09. Review status: criteria provided, single submitter. Criteria: Myriad Autosomal Dominant, Autosomal Recessive and X-Linked Classification Criteria (2023). Collection method: clinical testing. Allele origin: unknown.
Comment: This variant is considered benign. This variant is a silent/synonymous amino acid change and it is not expected to impact splicing.

Women's Health and Genetics/Laboratory Corporation of America, LabCorp
Classification: Likely benign. Last evaluated: 2019-08-21. Review status: criteria provided, single submitter. Criteria: LabCorp Variant Classification Summary - May 2015. Collection method: clinical testing. Allele origin: germline.

Ambry Genetics
Classification: Likely benign for Hereditary cancer-predisposing syndrome. Last evaluated: 2016-09-19. Review status: criteria provided, single submitter. Criteria: Ambry Variant Classification Scheme 2023. Collection method: clinical testing. Allele origin: germline.

NM_000051.4(ATM):c.2634C>G (p.Thr878=)

Gene: ATM (ATM serine/threonine kinase; plus strand). Cytogenetic location: 11q22.3.
Variant type: single nucleotide variant.
Coding change: c.2634C>G on transcript NM_000051.4 (MANE Select); coding-DNA position 2634, C replaced by G.
Protein change: p.Thr878=; no amino-acid change (threonine 878 retained).
Molecular consequence: synonymous variant.
Genome position (GRCh38, 1-based): chr11:108,267,338, C>G. VCF-style: chr11-108267338-C-G. GRCh37 (hg19) VCF-style: chr11-108138065-C-G.
Other names: c.2634C>G, p.Thr878= (NM_001351834.2).
Identifiers: ClinVar variation 479033 (VCV000479033.15), dbSNP rs771444818, ClinGen allele CA6265069.